The following is an entry in ClinVar:

NM_020975.6(RET):c.2258C>A (p.Thr753Asn)

Gene: RET (ret proto-oncogene; plus strand). Cytogenetic location: 10q11.21.
Variant type: single nucleotide variant.
Coding change: c.2258C>A on transcript NM_020975.6 (MANE Select); coding-DNA position 2258, C replaced by A.
Protein change: p.Thr753Asn; replaces threonine 753 with asparagine.
Molecular consequence: missense variant.
Genome position (GRCh38, 1-based): chr10:43,116,705, C>A. VCF-style: chr10-43116705-C-A. GRCh37 (hg19) VCF-style: chr10-43612153-C-A.
Other names: c.2258C>A, p.Thr753Asn (NM_000323.2, NM_001406743.1, NM_001406744.1 and 4 more transcripts); c.1496C>A, p.Thr499Asn (NM_001355216.2); c.2129C>A, p.Thr710Asn (NM_001406761.1, NM_001406762.1, NM_001406764.1); c.2123C>A, p.Thr708Asn (NM_001406763.1, NM_001406765.1); c.1970C>A, p.Thr657Asn (NM_001406766.1, NM_001406767.1, NM_001406770.1); c.1994C>A, p.Thr665Asn (NM_001406768.1); c.1862C>A, p.Thr621Asn (NM_001406769.1, NM_001406772.1); c.1820C>A, p.Thr607Asn (NM_001406771.1, NM_001406773.1); and 10 more; short protein forms T270N, T318N, T454N, T657N, T710N, T753N, T409N, T411N.
Identifiers: ClinVar variation 1788545 (VCV001788545.2), dbSNP rs749755131, ClinGen allele CA376554801.

ClinVar aggregate classification (germline): Uncertain significance (1 of 4 stars; one submission).

Conditions:
Hereditary cancer-predisposing syndrome. Also called: Hereditary Cancer Syndrome; Hereditary neoplastic syndrome; Tumor predisposition; Neoplastic Syndromes, Hereditary. Identifiers: Orphanet 140162, MedGen C0027672, MeSH D009386, MONDO:0015356.

Allele frequency attached by ClinVar (database versions not stated): TOPMed below 0.00001; gnomAD 0.00001.
gnomAD v4.1: 1 of 1,613,926 alleles (0.000062%); highest among the groups gnomAD compares: Non-Finnish European, 0.000085%; no homozygotes.

Submission:

Ambry Genetics
Classification: Uncertain significance for Hereditary cancer-predisposing syndrome. Last evaluated: 2022-02-18. Review status: criteria provided, single submitter. Criteria: Ambry Variant Classification Scheme 2023. Collection method: clinical testing. Allele origin: germline.
Comment: The p.T753N variant (also known as c.2258C>A), located in coding exon 12 of the RET gene, results from a C to A substitution at nucleotide position 2258. The threonine at codon 753 is replaced by asparagine, an amino acid with similar properties. This amino acid position is conserved. In addition, the in silico prediction for this alteration is inconclusive. Since supporting evidence is limited at this time, the clinical significance of this alteration remains unclear.